The following is an entry in ClinVar:

NM_001199753.2(CPT1C):c.2366G>A (p.Arg789His)

Gene: CPT1C (carnitine palmitoyltransferase 1C; plus strand). Cytogenetic location: 19q13.33.
Variant type: single nucleotide variant.
Coding change: c.2366G>A on transcript NM_001199753.2 (MANE Select); coding-DNA position 2366, G replaced by A.
Protein change: p.Arg789His; replaces arginine 789 with histidine.
Molecular consequence: missense variant. On other transcripts: non-coding transcript variant (1).
Genome position (GRCh38, 1-based): chr19:49,713,559, G>A. VCF-style: chr19-49713559-G-A. GRCh37 (hg19) VCF-style: chr19-50216816-G-A.
Other names: c.2333G>A, p.Arg778His (NM_001136052.3, NM_001378485.1); c.2366G>A, p.Arg789His (NM_001199752.3, NM_001378483.1, NM_001378484.1 and 1 more transcripts); c.2432G>A, p.Arg811His (NM_001378482.1); c.2231G>A, p.Arg744His (NM_001378486.1, NM_001378488.1); c.2198G>A, p.Arg733His (NM_001378487.1); short protein forms R789H, R744H, R778H, R733H, R811H.
Identifiers: ClinVar variation 2297656 (VCV002297656.4), dbSNP rs545963319, ClinGen allele CA9582508.

ClinVar aggregate classification (germline): Uncertain significance. Review status: criteria provided, multiple submitters, no conflicts (2 of 4 stars). 2 submissions from 2 submitters: Uncertain significance (2). Last evaluated 2024-05-23.

Conditions:
Hereditary spastic paraplegia 73. Also called: Spastic paraplegia 73, autosomal dominant. Identifiers: Orphanet 444099, MedGen C5568981, MONDO:0014568, OMIM 616282.

Allele frequency attached by ClinVar (database versions not stated): ExAC 0.00012; 1000 Genomes Project 30x 0.00031; 1000 Genomes Project 0.00040.
gnomAD v4.1: 89 of 1,613,870 alleles (0.0055%); highest among the groups gnomAD compares: South Asian, 0.057%; no homozygotes.

Submissions (2):

Labcorp Genetics (formerly Invitae), Labcorp
Classification: Uncertain significance for Hereditary spastic paraplegia 73. Last evaluated: 2024-05-23. Review status: criteria provided, single submitter. Criteria: Invitae Variant Classification Sherloc (09022015). Collection method: clinical testing. Allele origin: germline.
Comment: This sequence change replaces arginine, which is basic and polar, with histidine, which is basic and polar, at codon 778 of the CPT1C protein (p.Arg778His). This variant is present in population databases (rs545963319, gnomAD 0.06%), and has an allele count higher than expected for a pathogenic variant. This variant has not been reported in the literature in individuals affected with CPT1C-related conditions. ClinVar contains an entry for this variant (Variation ID: 2297656). An algorithm developed to predict the effect of missense changes on protein structure and function (PolyPhen-2) suggests that this variant is likely to be tolerated. In summary, the available evidence is currently insufficient to determine the role of this variant in disease. Therefore, it has been classified as a Variant of Uncertain Significance.

Ambry Genetics
Classification: Uncertain significance. Last evaluated: 2022-06-27. Review status: criteria provided, single submitter. Criteria: Ambry Variant Classification Scheme 2023. Collection method: clinical testing. Allele origin: germline.